The following is an entry in ClinVar:

NM_000525.4(KCNJ11):c.980C>A (p.Ser327Tyr)

Gene: KCNJ11 (potassium inwardly rectifying channel subfamily J member 11; minus strand). Cytogenetic location: 11p15.1.
Variant type: single nucleotide variant.
Coding change: c.980C>A on transcript NM_000525.4 (MANE Select); coding-DNA position 980, C replaced by A.
Protein change: p.Ser327Tyr; replaces serine 327 with tyrosine.
Molecular consequence: missense variant.
Genome position (GRCh38, 1-based): chr11:17,387,112, G>T on the plus strand (C>A on the coding strand, the complement: KCNJ11 is on the minus strand). VCF-style: chr11-17387112-G-T. GRCh37 (hg19) VCF-style: chr11-17408659-G-T.
Other names: c.719C>A, p.Ser240Tyr (NM_001166290.2, NM_001377296.1, NM_001377297.1); short protein forms S327Y, S240Y.
Identifiers: ClinVar variation 447637 (VCV000447637.3), dbSNP rs1554901583, ClinGen allele CA379769545.
Genomic context (GRCh38, chr11:17,387,112, plus strand): 5'-CGGGCCGTGCAGAGTGGTGTGGGCACTTTGACGGTGTTGCCAAACTTGGAGTAGTCCACA[G>T]AGTAACGTCCGTCCTCCTCAGCTACAATGGGCACAAAGCGCTGGCCCCACAGGATCTCAT-3'
Protein context (NP_000516.3, residues 317-337): PIVAEEDGRY[Ser327Tyr]VDYSKFGNTV

ClinVar aggregate classification (germline): Uncertain significance. Review status: criteria provided, multiple submitters, no conflicts (2 of 4 stars). 3 submissions from 3 submitters: Uncertain significance (3). Last evaluated 2017-07-11.

Conditions:
Maturity-onset diabetes of the young (MODY). Also called: Maturity onset diabetes mellitus in young. Identifiers: Orphanet 552, MedGen C0342276, MONDO:0018911, HP:0004904.

Submissions (3):

GeneDx
Classification: Uncertain significance. Last evaluated: 2017-07-11. Review status: criteria provided, single submitter. Criteria: GeneDx Variant Classification (06012015). Collection method: clinical testing. Allele origin: germline. Affected: yes.
Comment: The S327Y variant in the KCNJ11 gene has not been reported previously as a pathogenic variant, nor as a benign variant, to our knowledge. This variant is not observed in large population cohorts (Lek et al., 2016; 1000 Genomes Consortium et al., 2015; Exome Variant Server). The S327Y variant is a semi-conservative amino acid substitution, which may impact secondary protein structure as these residues differ in some properties. This substitution occurs at a position that is not conserved. In silico analysis predicts this variant is probably damaging to the protein structure/function. We interpret S327Y as a variant of uncertain significance.

Athena Diagnostics
Classification: Uncertain significance. Last evaluated: 2016-10-04. Review status: criteria provided, single submitter. Criteria: Athena Diagnostics Criteria. Collection method: clinical testing. Allele origin: germline.

Clinical Genomics, Uppaluri K&H Personalized Medicine Clinic
Classification: Uncertain significance for Maturity-onset diabetes of the young. Review status: criteria provided, single submitter. Criteria: K&H Uppaluri Personalized Medicine Clinic Variant Classification & Assertion Criteria. Collection method: research. Allele origin: somatic. Inheritance: Autosomal dominant inheritance.
Comment: Mutations in KCNJ11 gene can cause decreased production and secretion of insulin. This can lead to MODY which is responsive to oral sulfonylureas. It is also associated with Neonatal Diabetes. However, no sufficient evidence is found to ascertain the role of rs1554901583 variant in MODY yet.

Literature cited by the submitters: PubMed 26448950 (cited by Clinical Genomics, Uppaluri K&H Personalized Medicine Clinic); PubMed 15580558 (cited by Clinical Genomics, Uppaluri K&H Personalized Medicine Clinic); PubMed 15718250 (cited by Clinical Genomics, Uppaluri K&H Personalized Medicine Clinic); PubMed 32935446 (cited by Clinical Genomics, Uppaluri K&H Personalized Medicine Clinic); PubMed 22701567 (cited by Clinical Genomics, Uppaluri K&H Personalized Medicine Clinic).